The following is an entry in ClinVar:

NM_080732.4(EGLN2):c.371A>T (p.Asp124Val)

Genes: EGLN2 (egl-9 family hypoxia inducible factor 2; plus strand), RAB4B-EGLN2 (RAB4B-EGLN2 readthrough (NMD candidate); plus strand). Cytogenetic location: 19q13.2.
Variant type: single nucleotide variant.
Coding change: c.371A>T on transcript NM_080732.4 (MANE Select); coding-DNA position 371, A replaced by T.
Protein change: p.Asp124Val; replaces aspartic acid 124 with valine.
Molecular consequence: missense variant. On other transcripts: non-coding transcript variant (1).
Genome position (GRCh38, 1-based): chr19:40,800,943, A>T. VCF-style: chr19-40800943-A-T. GRCh37 (hg19) VCF-style: chr19-41306848-A-T.
Other names: c.371A>T, p.Asp124Val (NM_053046.4); short protein forms D124V.
Identifiers: ClinVar variation 1734266 (VCV001734266.2), dbSNP rs2515993803, ClinGen allele CA405955111.

ClinVar aggregate classification (germline): Uncertain significance (1 of 4 stars; one submission).

Allele frequency attached by ClinVar (database versions not stated): gnomAD exomes below 0.00001.

Submission:

Ambry Genetics
Classification: Uncertain significance. Last evaluated: 2021-12-11. Review status: criteria provided, single submitter. Criteria: Ambry Variant Classification Scheme 2023. Collection method: clinical testing. Allele origin: germline.
Comment: The p.D124V variant (also known as c.371A>T), located in coding exon 1 of the EGLN2 gene, results from an A to T substitution at nucleotide position 371. The aspartic acid at codon 124 is replaced by valine, an amino acid with highly dissimilar properties. This amino acid position is conserved. In addition, this alteration is predicted to be tolerated by in silico analysis. Since supporting evidence is limited at this time, the clinical significance of this alteration remains unclear.